The following is an entry in ClinVar:

NM_005475.3(SH2B3):c.433A>G (p.Ile145Val)

Gene: SH2B3 (SH2B adaptor protein 3; plus strand). Cytogenetic location: 12q24.12.
Variant type: single nucleotide variant.
Coding change: c.433A>G on transcript NM_005475.3 (MANE Select); coding-DNA position 433, A replaced by G.
Protein change: p.Ile145Val; replaces isoleucine 145 with valine.
Molecular consequence: missense variant.
Genome position (GRCh38, 1-based): chr12:111,418,578, A>G. VCF-style: chr12-111418578-A-G. GRCh37 (hg19) VCF-style: chr12-111856382-A-G.
Other names: short protein forms I145V.
Identifiers: ClinVar variation 3795001 (VCV003795001.1).
Genomic context (GRCh38, chr12:111,418,578, plus strand): 5'-GCCCCGCCGCGGCCGCCCGGGCCCTGCTCCTTCCAGCACTTTCGCCGCAGCCTCCGCCAC[A>G]TCTTCCGCCGCCGCTCGGCCGGGGAGCTGCCAGCGGCCCACACCGCTGCCGCCCCCGGGA-3'
Protein context (NP_005466.1, residues 135-155): FQHFRRSLRH[Ile145Val]FRRRSAGELP

ClinVar aggregate classification (germline): Uncertain significance (1 of 4 stars; one submission).

Conditions:
Inborn genetic diseases. Identifiers: MedGen C0950123, MeSH D030342.

Submission:

Ambry Genetics
Classification: Uncertain significance for Inborn genetic diseases. Last evaluated: 2024-12-15. Review status: criteria provided, single submitter. Criteria: Ambry Variant Classification Scheme 2023. Collection method: clinical testing. Allele origin: germline.
Comment: The p.I145V variant (also known as c.433A>G), located in coding exon 1 of the SH2B3 gene, results from an A to G substitution at nucleotide position 433. The isoleucine at codon 145 is replaced by valine, an amino acid with highly similar properties. This amino acid position is conserved. In addition, this alteration is predicted to be tolerated by in silico analysis. Based on the available evidence, the clinical significance of this variant remains unclear.